The following is an entry in ClinVar:

NM_177438.3(DICER1):c.16T>A (p.Leu6Met)

Gene: DICER1 (dicer 1, ribonuclease III; minus strand). Cytogenetic location: 14q32.13.
Variant type: single nucleotide variant.
Coding change: c.16T>A on transcript NM_177438.3 (MANE Select); coding-DNA position 16, T replaced by A.
Protein change: p.Leu6Met; replaces leucine 6 with methionine.
Molecular consequence: missense variant. On other transcripts: 5 prime UTR variant (8), non-coding transcript variant (6), intron variant (1).
Genome position (GRCh38, 1-based): chr14:95,133,443, A>T on the plus strand (T>A on the coding strand, the complement: DICER1 is on the minus strand). VCF-style: chr14-95133443-A-T. GRCh37 (hg19) VCF-style: chr14-95599780-A-T.
Other names: c.16T>A, p.Leu6Met (NM_001195573.1, NM_001271282.3, NM_001291628.2 and 15 more transcripts); c.-259T>A (NM_001395686.1, NM_001395688.1, NM_001395689.1 and 3 more transcripts); c.-443T>A (NM_001395691.1); c.-1553T>A (NM_001395697.1); c.-130-766T>A (NM_001395687.1); short protein forms L6M.
Identifiers: ClinVar variation 2819554 (VCV002819554.3), dbSNP rs2543389683, ClinGen allele CA390890809.

ClinVar aggregate classification (germline): Uncertain significance (1 of 4 stars; one submission).

Conditions:
DICER1-related tumor predisposition. Also called: DICER1-related pleuropulmonary blastoma cancer predisposition syndrome; DICER1 syndrome. Identifiers: Orphanet 284343, MedGen C3839822, MONDO:0100216.

Submission:

Labcorp Genetics (formerly Invitae), Labcorp
Classification: Uncertain significance for DICER1-related tumor predisposition. Last evaluated: 2024-04-05. Review status: criteria provided, single submitter. Criteria: Invitae Variant Classification Sherloc (09022015). Collection method: clinical testing. Allele origin: germline.
Comment: This sequence change replaces leucine, which is neutral and non-polar, with methionine, which is neutral and non-polar, at codon 6 of the DICER1 protein (p.Leu6Met). This variant is not present in population databases (gnomAD no frequency). This variant has not been reported in the literature in individuals affected with DICER1-related conditions. An algorithm developed to predict the effect of missense changes on protein structure and function (PolyPhen-2) suggests that this variant is likely to be tolerated. In summary, the available evidence is currently insufficient to determine the role of this variant in disease. Therefore, it has been classified as a Variant of Uncertain Significance.